The following is an entry in ClinVar:

NM_014915.3(ANKRD26):c.3716A>T (p.Glu1239Val)

Gene: ANKRD26 (ankyrin repeat domain 26; minus strand). Cytogenetic location: 10p12.1.
Variant type: single nucleotide variant.
Coding change: c.3716A>T on transcript NM_014915.3 (MANE Select); coding-DNA position 3716, A replaced by T.
Protein change: p.Glu1239Val; replaces glutamic acid 1239 with valine.
Molecular consequence: missense variant.
Genome position (GRCh38, 1-based): chr10:27,033,316, T>A on the plus strand (A>T on the coding strand, the complement: ANKRD26 is on the minus strand). VCF-style: chr10-27033316-T-A. GRCh37 (hg19) VCF-style: chr10-27322245-T-A.
Other names: c.3713A>T, p.Glu1238Val (NM_001256053.2); short protein forms E1238V, E1239V.
Identifiers: ClinVar variation 3023786 (VCV003023786.5), dbSNP rs2538740855, ClinGen allele CA376361083.
Genomic context (GRCh38, chr10:27,033,316, plus strand): 5'-AAATCCTGTGTCTCATCTTCTAAATTAATACGATAACGTGACGTAACCTCCAGTGAAGCC[T>A]CTGACATAGATTGTTTTTTTAGGGTATCAGCTAGTTCTTGTTGAAGTTGTCTCACAACAA-3'
Protein context (NP_055730.2, residues 1229-1249): ADTLKKQSMS[Glu1239Val]ASLEVTSRYR

ClinVar aggregate classification (germline): Uncertain significance. Review status: criteria provided, multiple submitters, no conflicts (2 of 4 stars). 3 submissions from 3 submitters: Uncertain significance (3). Last evaluated 2025-02-13.

Conditions:
Inborn genetic diseases. Identifiers: MedGen C0950123, MeSH D030342.

Allele frequency attached by ClinVar (database versions not stated): gnomAD exomes 0.00002.
gnomAD v4.1: 24 of 1,612,736 alleles (0.0015%); highest among the groups gnomAD compares: Non-Finnish European, 0.002%; no homozygotes.

Submissions (3):

Ambry Genetics
Classification: Uncertain significance for Inborn genetic diseases. Last evaluated: 2025-02-13. Review status: criteria provided, single submitter. Criteria: Ambry Variant Classification Scheme 2023. Collection method: clinical testing. Allele origin: germline.
Comment: The p.E1239V variant (also known as c.3716A>T), located in coding exon 25 of the ANKRD26 gene, results from an A to T substitution at nucleotide position 3716. The glutamic acid at codon 1239 is replaced by valine, an amino acid with dissimilar properties. This amino acid position is conserved. In addition, the in silico prediction for this alteration is inconclusive. Based on the available evidence, the clinical significance of this variant remains unclear.

GeneDx
Classification: Uncertain significance. Last evaluated: 2025-01-30. Review status: criteria provided, single submitter. Criteria: GeneDx Variant Classification Process June 2021. Collection method: clinical testing. Allele origin: germline. Affected: yes.
Comment: Not observed at significant frequency in large population cohorts (gnomAD); In silico analysis supports that this missense variant has a deleterious effect on protein structure/function; Has not been previously published as pathogenic or benign to our knowledge

Labcorp Genetics (formerly Invitae), Labcorp
Classification: Uncertain significance. Last evaluated: 2023-01-01. Review status: criteria provided, single submitter. Criteria: Invitae Variant Classification Sherloc (09022015). Collection method: clinical testing. Allele origin: germline.
Comment: In summary, the available evidence is currently insufficient to determine the role of this variant in disease. Therefore, it has been classified as a Variant of Uncertain Significance. This sequence change replaces glutamic acid, which is acidic and polar, with valine, which is neutral and non-polar, at codon 1239 of the ANKRD26 protein (p.Glu1239Val). This variant is not present in population databases (gnomAD no frequency). This variant has not been reported in the literature in individuals affected with ANKRD26-related conditions. Algorithms developed to predict the effect of missense changes on protein structure and function are either unavailable or do not agree on the potential impact of this missense change (SIFT: "Deleterious"; PolyPhen-2: "Probably Damaging"; Align-GVGD: "Class C0").